The following is an entry in ClinVar:

NM_001077415.3(CRELD1):c.82T>G (p.Trp28Gly)

Gene: CRELD1 (cysteine rich with EGF like domains 1; plus strand). Cytogenetic location: 3p25.3.
Variant type: single nucleotide variant.
Coding change: c.82T>G on transcript NM_001077415.3 (MANE Select); coding-DNA position 82, T replaced by G.
Protein change: p.Trp28Gly; replaces tryptophan 28 with glycine.
Molecular consequence: missense variant. On other transcripts: non-coding transcript variant (3).
Genome position (GRCh38, 1-based): chr3:9,934,520, T>G. VCF-style: chr3-9934520-T-G. GRCh37 (hg19) VCF-style: chr3-9976204-T-G.
Other names: c.82T>G, p.Trp28Gly (NM_001031717.4, NM_001374316.1, NM_001374317.1 and 5 more transcripts); short protein forms W28G.
Identifiers: ClinVar variation 3360139 (VCV003360139.1).

ClinVar aggregate classification (germline): Uncertain significance (1 of 4 stars; one submission).

gnomAD v4.1: 1 of 1,614,014 alleles (0.000062%); highest among the groups gnomAD compares: African/African-American, 0.0013%; no homozygotes.

Submission:

GeneDx
Classification: Uncertain significance. Last evaluated: 2023-06-26. Review status: criteria provided, single submitter. Criteria: GeneDx Variant Classification Process June 2021. Collection method: clinical testing. Allele origin: germline. Affected: yes.
Comment: Has not been previously published as pathogenic or benign to our knowledge; Not observed at significant frequency in large population cohorts (gnomAD); In silico analysis supports that this missense variant does not alter protein structure/function